The following is an entry in ClinVar:

ClinVar aggregate classification (germline): Benign. Review status: criteria provided, multiple submitters, no conflicts (2 of 4 stars). 2 submissions from 2 submitters: Benign (2). Last evaluated 2018-06-16.

Allele frequency attached by ClinVar (database versions not stated): gnomAD exomes 0.03846; TOPMed 0.16910; gnomAD 0.15318; 1000 Genomes Project 0.15715; 1000 Genomes Project 30x 0.16412.

Submissions (2):

GeneDx
Classification: Benign. Last evaluated: 2018-06-16. Review status: criteria provided, single submitter. Criteria: GeneDx Variant Classification (06012015). Collection method: clinical testing. Allele origin: germline. Affected: yes.
Comment: This variant is considered likely benign or benign based on one or more of the following criteria: it is a conservative change, it occurs at a poorly conserved position in the protein, it is predicted to be benign by multiple in silico algorithms, and/or has population frequency not consistent with disease.

Breakthrough Genomics
Classification: Benign. Review status: criteria provided, single submitter. Criteria: ACMG Guidelines, 2015. Collection method: not provided. Allele origin: germline. Inheritance: Autosomal recessive inheritance. Affected: yes.

NM_025207.4(FLAD1):c.-447C>T

Gene: FLAD1 (flavin adenine dinucleotide synthetase 1; plus strand). Cytogenetic location: 1q21.3.
Variant type: single nucleotide variant.
Coding change: c.-447C>T on transcript NM_025207.4; 447 bases upstream of the start codon, C replaced by T.
Genome position (GRCh38, 1-based): chr1:154,983,248, C>T. VCF-style: chr1-154983248-C-T. GRCh37 (hg19) VCF-style: chr1-154955724-C-T.
Identifiers: ClinVar variation 676267 (VCV000676267.4), dbSNP rs10908449, ClinGen allele CA16066966.